The following is an entry in ClinVar:

ClinVar aggregate classification (germline): Conflicting classifications of pathogenicity. Review status: criteria provided, conflicting classifications (1 of 4 stars). 2 submissions from 2 submitters: Uncertain significance (1); Likely benign (1). Last evaluated 2025-11-10.

Conditions:
Multiple endocrine neoplasia, type 2 (MEN2). Identifiers: Orphanet 653, MedGen C4048306, MONDO:0019003. Disease mechanism: gain of function.
Hereditary cancer-predisposing syndrome. Also called: Tumor predisposition; Hereditary Cancer Syndrome; Neoplastic Syndromes, Hereditary; Hereditary neoplastic syndrome. Identifiers: Orphanet 140162, MedGen C0027672, MeSH D009386, MONDO:0015356.

Allele frequency attached by ClinVar (database versions not stated): gnomAD 0.00001; gnomAD exomes 0.00001.
gnomAD v4.1: 11 of 1,614,144 alleles (0.00068%); highest among the groups gnomAD compares: Non-Finnish European, 0.00093%; no homozygotes.

Submissions (2):

Ambry Genetics
Classification: Uncertain significance for Hereditary cancer-predisposing syndrome. Last evaluated: 2025-11-10. Review status: criteria provided, single submitter. Criteria: Ambry Variant Classification Scheme 2023. Collection method: clinical testing. Allele origin: germline.
Comment: The c.447C>T variant (also known as p.F149F), located in coding exon 3 of the RET gene, results from a C to T substitution at nucleotide position 447. This nucleotide substitution does not change the phenylalanine at codon 149. This variant has been reported in trans with a RET missense variant in a patient with long-segment familial Hirschsprung's disease (Fitze G et al. Lancet, 2002 Apr;359:1200-5).This nucleotide position is well conserved in available vertebrate species. In silico splice site analysis for this alteration is inconclusive. Since supporting evidence is limited at this time, the clinical significance of this alteration remains unclear.

Labcorp Genetics (formerly Invitae), Labcorp
Classification: Likely benign for Multiple endocrine neoplasia, type 2. Last evaluated: 2024-06-16. Review status: criteria provided, single submitter. Criteria: Invitae Variant Classification Sherloc (09022015). Collection method: clinical testing. Allele origin: germline.

Literature cited by the submitters: PubMed 11955539 (cited by Ambry Genetics).

NM_020975.6(RET):c.447C>T (p.Phe149=)

Gene: RET (ret proto-oncogene; plus strand). Cytogenetic location: 10q11.21.
Variant type: single nucleotide variant.
Coding change: c.447C>T on transcript NM_020975.6 (MANE Select); coding-DNA position 447, C replaced by T.
Protein change: p.Phe149=; no amino-acid change (phenylalanine 149 retained).
Molecular consequence: synonymous variant. On other transcripts: intron variant (22).
Genome position (GRCh38, 1-based): chr10:43,102,451, C>T. VCF-style: chr10-43102451-C-T. GRCh37 (hg19) VCF-style: chr10-43597899-C-T.
Other names: c.447C>T, p.Phe149= (NM_000323.2, NM_001406743.1, NM_001406744.1 and 16 more transcripts); c.338-20C>T (NM_001406764.1, NM_001406762.1, NM_001406761.1 and 4 more transcripts); c.337+1729C>T (NM_001406770.1, NM_001406766.1, NM_001406767.1 and 8 more transcripts); c.74-6580C>T (NM_001406784.1); c.74-9648C>T (NM_001406794.1, NM_001406792.1, NM_001406793.1).
Identifiers: ClinVar variation 1609402 (VCV001609402.12), dbSNP rs989787527, ClinGen allele CA206713305.
Genomic context (GRCh38, chr10:43,102,451, plus strand): 5'-CACATCCCTTCGTGAGGGCGAGTGCCAGTGGCCAGGCTGTGCCCGCGTATACTTCTCCTT[C>T]TTCAACACCTCCTTTCCAGCCTGCAGCTCCCTCAAGCCCCGGGAGCTCTGCTTCCCAGAG-3'
Protein context (NP_066124.1, residues 139-159): WPGCARVYFS[Phe149=]FNTSFPACSS